The following is an entry in ClinVar:

ClinVar aggregate classification (germline): Uncertain significance. Review status: criteria provided, multiple submitters, no conflicts (2 of 4 stars). 2 submissions from 2 submitters: Uncertain significance (2). Last evaluated 2025-05-05.

Conditions:
POLD1-related polyposis and colorectal cancer syndrome (CRCS10). Also called: Colorectal cancer, susceptibility to, 10; Colorectal cancer 10; COLORECTAL CANCER, SUSCEPTIBILITY TO, ON CHROMOSOME 19q. Identifiers: Orphanet 220460, MedGen C2675481, MONDO:0012953, OMIM 612591.
Hereditary cancer-predisposing syndrome. Also called: Tumor predisposition; Hereditary Cancer Syndrome; Hereditary neoplastic syndrome; Neoplastic Syndromes, Hereditary. Identifiers: Orphanet 140162, MedGen C0027672, MeSH D009386, MONDO:0015356.

Allele frequency attached by ClinVar (database versions not stated): gnomAD exomes below 0.00001; TOPMed below 0.00001.
gnomAD v4.1: 2 of 1,614,078 alleles (0.00012%); highest among the groups gnomAD compares: Non-Finnish European, 0.00017%; no homozygotes.

Submissions (2):

Labcorp Genetics (formerly Invitae), Labcorp
Classification: Uncertain significance for POLD1-related polyposis and colorectal cancer syndrome. Last evaluated: 2025-05-05. Review status: criteria provided, single submitter. Criteria: Invitae Variant Classification Sherloc (09022015). Collection method: clinical testing. Allele origin: germline.
Comment: This sequence change replaces glycine, which is neutral and non-polar, with alanine, which is neutral and non-polar, at codon 178 of the POLD1 protein (p.Gly178Ala). This variant is not present in population databases (gnomAD no frequency). This variant has not been reported in the literature in individuals affected with POLD1-related conditions. ClinVar contains an entry for this variant (Variation ID: 1381033). An algorithm developed to predict the effect of missense changes on protein structure and function outputs the following: PolyPhen-2: "Benign". The alanine amino acid residue is found in multiple mammalian species, which suggests that this missense change does not adversely affect protein function. In summary, the available evidence is currently insufficient to determine the role of this variant in disease. Therefore, it has been classified as a Variant of Uncertain Significance.

Ambry Genetics
Classification: Uncertain significance for Hereditary cancer-predisposing syndrome. Last evaluated: 2022-10-17. Review status: criteria provided, single submitter. Criteria: Ambry Variant Classification Scheme 2023. Collection method: clinical testing. Allele origin: germline.
Comment: The p.G178A variant (also known as c.533G>C), located in coding exon 4 of the POLD1 gene, results from a G to C substitution at nucleotide position 533. The glycine at codon 178 is replaced by alanine, an amino acid with similar properties. This amino acid position is conserved. In addition, this alteration is predicted to be tolerated by in silico analysis. Since supporting evidence is limited at this time, the clinical significance of this alteration remains unclear.

NM_002691.4(POLD1):c.533G>C (p.Gly178Ala)

Gene: POLD1 (DNA polymerase delta 1, catalytic subunit; plus strand). Cytogenetic location: 19q13.33.
Variant type: single nucleotide variant.
Coding change: c.533G>C on transcript NM_002691.4 (MANE Select); coding-DNA position 533, G replaced by C.
Protein change: p.Gly178Ala; replaces glycine 178 with alanine.
Molecular consequence: missense variant. On other transcripts: non-coding transcript variant (1).
Genome position (GRCh38, 1-based): chr19:50,402,068, G>C. VCF-style: chr19-50402068-G-C. GRCh37 (hg19) VCF-style: chr19-50905325-G-C.
Other names: c.533G>C, p.Gly178Ala (NM_001256849.1, NM_001308632.1); short protein forms G178A.
Identifiers: ClinVar variation 1381033 (VCV001381033.8), dbSNP rs2038662890, ClinGen allele CA406973205.